The following is an entry in ClinVar:

NM_001164688.2(RD3):c.*193G>C

Gene: RD3 (RD3 regulator of GUCY2D; minus strand). Cytogenetic location: 1q32.3.
Variant type: single nucleotide variant.
Coding change: c.*193G>C on transcript NM_001164688.2 (MANE Select); 193 bases downstream of the stop codon, G replaced by C.
Molecular consequence: 3 prime UTR variant.
Genome position (GRCh38, 1-based): chr1:211,478,843, C>G on the plus strand (G>C on the coding strand, the complement: RD3 is on the minus strand). VCF-style: chr1-211478843-C-G. GRCh37 (hg19) VCF-style: chr1-211652185-C-G.
Other names: c.*193G>C (NM_183059.3).
Identifiers: ClinVar variation 295252 (VCV000295252.6), dbSNP rs11119748, ClinGen allele CA10608920.

ClinVar aggregate classification (germline): Benign. Review status: criteria provided, multiple submitters, no conflicts (2 of 4 stars). 2 submissions from 2 submitters: Benign (2). Last evaluated 2018-01-13.

Conditions:
Leber congenital amaurosis 12 (LCA12). Identifiers: Orphanet 65, MedGen C1857743, MONDO:0012525, OMIM 610612.

Allele frequency attached by ClinVar (database versions not stated): gnomAD 0.12512 and 0.13106; TOPMed 0.14042; gnomAD exomes 0.15378; 1000 Genomes Project 30x 0.19191; 1000 Genomes Project 0.20148.
gnomAD v4.1: 89,909 of 606,908 alleles (15%); highest among the groups gnomAD compares: East Asian, 49%; 9,580 homozygotes.

Submissions (2):

Illumina Laboratory Services, Illumina
Classification: Benign for Leber congenital amaurosis 12. Last evaluated: 2018-01-13. Review status: criteria provided, single submitter. Criteria: ICSL Variant Classification Criteria 13 December 2019. Collection method: clinical testing. Allele origin: germline.
Comment: This variant was observed in the ICSL laboratory as part of a predisposition screen in an ostensibly healthy population. It had not been previously curated by ICSL or reported in the Human Gene Mutation Database (HGMD: prior to June 1st, 2018), and was therefore a candidate for classification through an automated scoring system. Utilizing variant allele frequency, disease prevalence and penetrance estimates, and inheritance mode, an automated score was calculated to assess if this variant is too frequent to cause the disease. Based on the score and internal cut-off values, a variant classified as benign is not then subjected to further curation. The score for this variant resulted in a classification of benign for this disease.

Breakthrough Genomics
Classification: Benign. Review status: criteria provided, single submitter. Criteria: ACMG Guidelines, 2015. Collection method: not provided. Allele origin: germline. Inheritance: Autosomal recessive inheritance. Affected: yes.